The following is an entry in ClinVar:

NM_001164277.2(SLC37A4):c.107C>T (p.Pro36Leu)

Gene: SLC37A4 (solute carrier family 37 member 4; minus strand). Cytogenetic location: 11q23.3.
Variant type: single nucleotide variant.
Coding change: c.107C>T on transcript NM_001164277.2 (MANE Select); coding-DNA position 107, C replaced by T.
Protein change: p.Pro36Leu; replaces proline 36 with leucine.
Molecular consequence: missense variant. On other transcripts: intron variant (1).
Genome position (GRCh38, 1-based): chr11:119,029,263, G>A on the plus strand (C>T on the coding strand, the complement: SLC37A4 is on the minus strand). VCF-style: chr11-119029263-G-A. GRCh37 (hg19) VCF-style: chr11-118899973-G-A.
Other names: c.107C>T, p.Pro36Leu (NM_001164278.2, NM_001164280.2, NM_001467.6); c.-172+129C>T (NM_001164279.2); short protein forms P36L.
Identifiers: ClinVar variation 1421298 (VCV001421298.5), dbSNP rs781797026, ClinGen allele CA6311912.

ClinVar aggregate classification (germline): Uncertain significance (1 of 4 stars; one submission).

Conditions:
Glucose-6-phosphate transport defect (GSD1B). Also called: Glycogen Storage Disease Type Ib; GSD Ib. Identifiers: Orphanet 364, Orphanet 79259, MedGen C0268146, MONDO:0009288, OMIM 232220.

Allele frequency attached by ClinVar (database versions not stated): gnomAD exomes below 0.00001; ExAC 0.00001.

Submission:

Labcorp Genetics (formerly Invitae), Labcorp
Classification: Uncertain significance for Glucose-6-phosphate transport defect. Last evaluated: 2024-05-02. Review status: criteria provided, single submitter. Criteria: Invitae Variant Classification Sherloc (09022015). Collection method: clinical testing. Allele origin: germline.
Comment: This sequence change replaces proline, which is neutral and non-polar, with leucine, which is neutral and non-polar, at codon 36 of the SLC37A4 protein (p.Pro36Leu). This variant is present in population databases (rs781797026, gnomAD 0.0009%). This variant has not been reported in the literature in individuals affected with SLC37A4-related conditions. ClinVar contains an entry for this variant (Variation ID: 1421298). Advanced modeling of protein sequence and biophysical properties (such as structural, functional, and spatial information, amino acid conservation, physicochemical variation, residue mobility, and thermodynamic stability) performed at Invitae indicates that this missense variant is expected to disrupt SLC37A4 protein function with a positive predictive value of 80%. In summary, the available evidence is currently insufficient to determine the role of this variant in disease. Therefore, it has been classified as a Variant of Uncertain Significance.